The following is an entry in ClinVar:

ClinVar aggregate classification (germline): Uncertain significance. Review status: criteria provided, multiple submitters, no conflicts (2 of 4 stars). 2 submissions from 2 submitters: Uncertain significance (2). Last evaluated 2025-11-18.

Conditions:
Hereditary cancer-predisposing syndrome. Also called: Tumor predisposition; Hereditary neoplastic syndrome; Hereditary Cancer Syndrome; Neoplastic Syndromes, Hereditary. Identifiers: Orphanet 140162, MedGen C0027672, MeSH D009386, MONDO:0015356.
Oligodontia-cancer predisposition syndrome. Also called: TOOTH AGENESIS-COLORECTAL CANCER SYNDROME. Identifiers: Orphanet 300576, MedGen C1837750, MONDO:0012075, OMIM 608615. Disease mechanism: loss of function.

Submissions (2):

Ambry Genetics
Classification: Uncertain significance for Hereditary cancer-predisposing syndrome. Last evaluated: 2025-11-18. Review status: criteria provided, single submitter. Criteria: Ambry Variant Classification Scheme 2023. Collection method: clinical testing. Allele origin: germline.
Comment: The p.H635L variant (also known as c.1904A>T), located in coding exon 6 of the AXIN2 gene, results from an A to T substitution at nucleotide position 1904. The histidine at codon 635 is replaced by leucine, an amino acid with similar properties. This amino acid position is conserved. In addition, the in silico prediction for this alteration is inconclusive. Based on the available evidence, the clinical significance of this variant remains unclear.

Labcorp Genetics (formerly Invitae), Labcorp
Classification: Uncertain significance for Oligodontia-cancer predisposition syndrome. Last evaluated: 2019-03-07. Review status: criteria provided, single submitter. Criteria: Invitae Variant Classification Sherloc (09022015). Collection method: clinical testing. Allele origin: germline.
Comment: In summary, the available evidence is currently insufficient to determine the role of this variant in disease. Therefore, it has been classified as a Variant of Uncertain Significance. Algorithms developed to predict the effect of missense changes on protein structure and function output the following: SIFT: "Tolerated"; PolyPhen-2: "Benign"; Align-GVGD: "Class C0". The leucine amino acid residue is found in multiple mammalian species, suggesting that this missense change does not adversely affect protein function. These predictions have not been confirmed by published functional studies and their clinical significance is uncertain. This variant has not been reported in the literature in individuals with AXIN2-related disease. This variant is not present in population databases (ExAC no frequency). This sequence change replaces histidine with leucine at codon 635 of the AXIN2 protein (p.His635Leu). The histidine residue is highly conserved and there is a moderate physicochemical difference between histidine and leucine.

NM_004655.4(AXIN2):c.1904A>T (p.His635Leu)

Gene: AXIN2 (axin 2; minus strand). Cytogenetic location: 17q24.1.
Variant type: single nucleotide variant.
Coding change: c.1904A>T on transcript NM_004655.4 (MANE Select); coding-DNA position 1904, A replaced by T.
Protein change: p.His635Leu; replaces histidine 635 with leucine.
Molecular consequence: missense variant. On other transcripts: intron variant (1).
Genome position (GRCh38, 1-based): chr17:65,536,872, T>A on the plus strand (A>T on the coding strand, the complement: AXIN2 is on the minus strand). VCF-style: chr17-65536872-T-A. GRCh37 (hg19) VCF-style: chr17-63532990-T-A.
Other names: c.1904A>T (LRG_296t1); c.1713-319A>T (NM_001363813.1); short protein forms H635L.
Identifiers: ClinVar variation 577694 (VCV000577694.11), dbSNP rs775207779, ClinGen allele CA400676378.
Genomic context (GRCh38, chr17:65,536,872, plus strand): 5'-CCTCCGTACTGAGTGCCCATGACCCTCGCGGCCGCGGCGGCGGCAAGCGGTGTTTACCTA[T>A]GGGGCTTGGGCTTGCTCTGCCGCTCACTCTCCAGCATCCACTGCCAGACATCCTGCGACC-3'
Protein context (NP_004646.3, residues 625-645): ESERQSKPKP[His635Leu]SAQSTKKAYP